The following is an entry in ClinVar:

ClinVar aggregate classification (germline): Likely benign (0 of 4 stars; one submission).

Conditions:
ADCY3-related disorder. Also called: ADCY3-related condition.

gnomAD v4.1: 4 of 1,613,654 alleles (0.00025%); highest among the groups gnomAD compares: Non-Finnish European, 0.00034%; no homozygotes.

Submission:

PreventionGenetics, part of Exact Sciences
Classification: Likely benign for ADCY3-related condition. Last evaluated: 2024-01-30. Review status: no assertion criteria provided. Collection method: clinical testing. Allele origin: germline.
Comment: This variant is classified as likely benign based on ACMG/AMP sequence variant interpretation guidelines (Richards et al. 2015 PMID: 25741868, with internal and published modifications).

NM_004036.5(ADCY3):c.2820C>T (p.Ser940=)

Gene: ADCY3 (adenylate cyclase 3; minus strand). Cytogenetic location: 2p23.3.
Variant type: single nucleotide variant.
Coding change: c.2820C>T on transcript NM_004036.5 (MANE Select); coding-DNA position 2820, C replaced by T.
Protein change: p.Ser940=; no amino-acid change (serine 940 retained).
Molecular consequence: synonymous variant. On other transcripts: intron variant (1).
Genome position (GRCh38, 1-based): chr2:24,823,272, G>A on the plus strand (C>T on the coding strand, the complement: ADCY3 is on the minus strand). VCF-style: chr2-24823272-G-A. GRCh37 (hg19) VCF-style: chr2-25046141-G-A.
Other names: c.2823C>T, p.Ser941= (NM_001320613.2); c.2886C>T, p.Ser962= (NM_001377128.1); c.2682C>T, p.Ser894= (NM_001377129.1); c.2097C>T, p.Ser699= (NM_001377131.1); c.2820C>T, p.Ser940= (NM_001377132.1); c.2332-642C>T (NM_001377130.1).
Identifiers: ClinVar variation 3348972 (VCV003348972.1).